The following is an entry in ClinVar:

ClinVar aggregate classification (germline): Uncertain significance (1 of 4 stars; one submission).

Submission:

CeGaT Center for Human Genetics Tuebingen
Classification: Uncertain significance. Last evaluated: 2024-05-01. Review status: criteria provided, single submitter. Criteria: CeGaT Center For Human Genetics Tuebingen Variant Classification Criteria Version 2. Collection method: clinical testing. Allele origin: germline. Affected: yes. Observed: 1 variant allele.
Comment: P2RX2: PM2, PP3

NM_170682.4(P2RX2):c.906-5T>A

Gene: P2RX2 (purinergic receptor P2X 2; plus strand). Cytogenetic location: 12q24.33.
Variant type: single nucleotide variant.
Coding change: c.906-5T>A on transcript NM_170682.4 (MANE Select); 5 bases into the intron before coding-DNA position 906, T replaced by A.
Molecular consequence: intron variant.
Genome position (GRCh38, 1-based): chr12:132,621,250, T>A. VCF-style: chr12-132621250-T-A. GRCh37 (hg19) VCF-style: chr12-133197836-T-A.
Other names: c.906-5T>A (NM_001282165.2, NM_170683.4, NM_174873.3); c.834-5T>A (NM_016318.4); c.804-5T>A (NM_001282164.2); c.690-5T>A (NM_012226.5); c.630-5T>A (NM_174872.3).
Identifiers: ClinVar variation 3239341 (VCV003239341.19), dbSNP rs2541804122.